The following is an entry in ClinVar:

ClinVar aggregate classification (germline): Uncertain significance (1 of 4 stars; one submission).

gnomAD v4.1: 20 of 1,598,900 alleles (0.0013%); highest among the groups gnomAD compares: Middle Eastern, 0.017%; no homozygotes.

Submission:

Labcorp Genetics (formerly Invitae), Labcorp
Classification: Uncertain significance. Last evaluated: 2021-11-23. Review status: criteria provided, single submitter. Criteria: Invitae Variant Classification Sherloc (09022015). Collection method: clinical testing. Allele origin: germline.
Comment: This sequence change replaces alanine, which is neutral and non-polar, with valine, which is neutral and non-polar, at codon 579 of the KMT2C protein (p.Ala579Val). This variant is present in population databases (rs760517811, gnomAD 0.004%). This variant has not been reported in the literature in individuals affected with KMT2C-related conditions. Algorithms developed to predict the effect of missense changes on protein structure and function output the following: SIFT: "Tolerated"; PolyPhen-2: "Benign"; Align-GVGD: "Class C0". The valine amino acid residue is found in multiple mammalian species, which suggests that this missense change does not adversely affect protein function. In summary, the available evidence is currently insufficient to determine the role of this variant in disease. Therefore, it has been classified as a Variant of Uncertain Significance.

NM_170606.3(KMT2C):c.1736C>T (p.Ala579Val)

Gene: KMT2C (lysine methyltransferase 2C; minus strand). Cytogenetic location: 7q36.1.
Variant type: single nucleotide variant.
Coding change: c.1736C>T on transcript NM_170606.3 (MANE Select); coding-DNA position 1736, C replaced by T.
Protein change: p.Ala579Val; replaces alanine 579 with valine.
Molecular consequence: missense variant.
Genome position (GRCh38, 1-based): chr7:152,249,953, G>A on the plus strand (C>T on the coding strand, the complement: KMT2C is on the minus strand). VCF-style: chr7-152249953-G-A. GRCh37 (hg19) VCF-style: chr7-151947038-G-A.
Other names: short protein forms A579V.
Identifiers: ClinVar variation 1397130 (VCV001397130.1), dbSNP rs760517811, ClinGen allele CA4581387.
Genomic context (GRCh38, chr7:152,249,953, plus strand): 5'-TCTGTGTCAAGACTTTCTGAGGGATGACTCTTCTGTTGCTCTTCAGTGTGGACTTGAACC[G>A]CTGTGAGTAACACATTTATAAAATCTCTAAGGAGTCAAAATTTCTGTAACACTGTTCCCT-3'
Protein context (NP_733751.2, residues 569-589): QESTPGIVPD[Ala579Val]VQVHTEEQQK